The following is an entry in ClinVar:

NM_001330078.2(NRXN1):c.737C>G (p.Ser246Trp)

Gene: NRXN1 (neurexin 1; minus strand). Cytogenetic location: 2p16.3.
Variant type: single nucleotide variant.
Coding change: c.737C>G on transcript NM_001330078.2 (MANE Select); coding-DNA position 737, C replaced by G.
Protein change: p.Ser246Trp; replaces serine 246 with tryptophan.
Molecular consequence: missense variant.
Genome position (GRCh38, 1-based): chr2:51,027,537, G>C on the plus strand (C>G on the coding strand, the complement: NRXN1 is on the minus strand). VCF-style: chr2-51027537-G-C. GRCh37 (hg19) VCF-style: chr2-51254675-G-C.
Other names: c.737C>G, p.Ser246Trp (NM_001135659.3, NM_001330077.2, NM_001330079.2 and 15 more transcripts); short protein forms S246W.
Identifiers: ClinVar variation 3663943 (VCV003663943.2).

ClinVar aggregate classification (germline): Uncertain significance (1 of 4 stars; one submission).

Conditions:
Pitt-Hopkins-like syndrome 2 (PTHSL2). Identifiers: Orphanet 221150, Orphanet 600663, MedGen C3280479, MONDO:0013690, OMIM 614325.

gnomAD v4.1: 1 of 1,564,726 alleles (0.000064%); highest among the groups gnomAD compares: Non-Finnish European, 0.000087%; no homozygotes.

Submission:

Labcorp Genetics (formerly Invitae), Labcorp
Classification: Uncertain significance for Pitt-Hopkins-like syndrome 2. Last evaluated: 2025-01-29. Review status: criteria provided, single submitter. Criteria: Invitae Variant Classification Sherloc (09022015). Collection method: clinical testing. Allele origin: germline.
Comment: This sequence change replaces serine, which is neutral and polar, with tryptophan, which is neutral and slightly polar, at codon 246 of the NRXN1 protein (p.Ser246Trp). This variant is not present in population databases (gnomAD no frequency). This variant has not been reported in the literature in individuals affected with NRXN1-related conditions. An algorithm developed to predict the effect of missense changes on protein structure and function (PolyPhen-2) suggests that this variant is likely to be disruptive. In summary, the available evidence is currently insufficient to determine the role of this variant in disease. Therefore, it has been classified as a Variant of Uncertain Significance.